The following is an entry in ClinVar:

ClinVar aggregate classification (germline): Benign (1 of 4 stars; one submission).

Allele frequency attached by ClinVar (database versions not stated): 1000 Genomes Project 0.20268; 1000 Genomes Project 30x 0.20487; TOPMed 0.23464; gnomAD exomes 0.23748 and 0.26584; ExAC 0.24559; gnomAD 0.24632 and 0.25029; ESP Exome Variant Server 0.26165.
gnomAD v4.1: 425,200 of 1,613,340 alleles (26%); highest among the groups gnomAD compares: Non-Finnish European, 28%; 57,872 homozygotes.

Submission:

GeneDx
Classification: Benign. Last evaluated: 2019-04-20. Review status: criteria provided, single submitter. Criteria: GeneDx Variant Classification Process June 2021. Collection method: clinical testing. Allele origin: germline. Affected: yes.
Comment: This variant is associated with the following publications: (PMID: 30389748)

NM_005577.4(LPA):c.6046C>T (p.Arg2016Cys)

Gene: LPA (lipoprotein(a); minus strand). Cytogenetic location: 6q25.3.
Variant type: single nucleotide variant.
Coding change: c.6046C>T on transcript NM_005577.4 (MANE Select); coding-DNA position 6046, C replaced by T.
Protein change: p.Arg2016Cys; replaces arginine 2016 with cysteine.
Molecular consequence: missense variant.
Genome position (GRCh38, 1-based): chr6:160,531,806, G>A on the plus strand (C>T on the coding strand, the complement: LPA is on the minus strand). VCF-style: chr6-160531806-G-A. GRCh37 (hg19) VCF-style: chr6-160952838-G-A.
Other names: short protein forms R2016C.
Identifiers: ClinVar variation 1251319 (VCV001251319.2), dbSNP rs3124784, ClinGen allele CA4085516.